The following is an entry in ClinVar:

ClinVar aggregate classification (germline): Uncertain significance. Review status: criteria provided, single submitter (1 of 4 stars). 2 submissions from 2 submitters: Uncertain significance (1). 1 of the submissions does not count toward it. Last evaluated 2021-10-05.

Conditions:
Gerstmann-Straussler-Scheinker syndrome (GSD). Also called: PRION DEMENTIA; Spongiform encephalopathy; Cerebellar ataxia, progressive dementia, and amyloid deposits in the central nervous system; Encephalopathy subacute spongiform Gerstmann-Straussler type; Spinocerebellar ataxia and plaque-like deposits; Gerstmann-Sträussler-Scheinker Syndrome (GSS). Identifiers: Orphanet 356, MedGen C0017495, MONDO:0007656, OMIM 137440.
Huntington disease-like 1 (HDL1). Also called: PRION DISEASE, EARLY-ONSET, WITH PROMINENT PSYCHIATRIC FEATURES; HUNTINGTON-LIKE NEURODEGENERATIVE DISORDER 1; HUNTINGTON-LIKE NEURODEGENERATIVE DISORDER, AUTOSOMAL DOMINANT. Identifiers: Orphanet 157941, MedGen C1864112, MONDO:0011299, OMIM 603218.

Submissions (2):

Labcorp Genetics (formerly Invitae), Labcorp
Classification: Uncertain significance for Huntington disease-like 1. Last evaluated: 2021-10-05. Review status: criteria provided, single submitter. Criteria: Invitae Variant Classification Sherloc (09022015). Collection method: clinical testing. Allele origin: germline.
Comment: In summary, the available evidence is currently insufficient to determine the role of this variant in disease. Therefore, it has been classified as a Variant of Uncertain Significance. This variant disrupts the p.Glu211 amino acid residue in PRNP. Other variant(s) that disrupt this residue have been determined to be pathogenic (PMID: 10790216, 11568919, 12590162, 22965875). This suggests that this residue is clinically significant, and that variants that disrupt this residue are likely to be disease-causing. Algorithms developed to predict the effect of missense changes on protein structure and function (SIFT, PolyPhen-2, Align-GVGD) all suggest that this variant is likely to be tolerated. ClinVar contains an entry for this variant (Variation ID: 88922). This variant is also known as c.633C>G. This missense change has been observed in individuals with clinical features of PRNP-related conditions (PMID: 22965875; Invitae). This variant is not present in population databases (ExAC no frequency). This sequence change replaces glutamic acid with aspartic acid at codon 211 of the PRNP protein (p.Glu211Asp). The glutamic acid residue is moderately conserved and there is a small physicochemical difference between glutamic acid and aspartic acid.

OMIM
Classification: Pathogenic for GERSTMANN-STRAUSSLER DISEASE. Last evaluated: 2012-12-15. Review status: no assertion criteria provided. Collection method: literature only. Allele origin: germline. Not counted in ClinVar's aggregate classification.

Literature cited by the submitters: PubMed 10790216 (cited by Labcorp Genetics (formerly Invitae), Labcorp); PubMed 11568919 (cited by Labcorp Genetics (formerly Invitae), Labcorp); PubMed 12590162 (cited by Labcorp Genetics (formerly Invitae), Labcorp); PubMed 22965875 (cited by Labcorp Genetics (formerly Invitae), Labcorp and OMIM).

NM_000311.5(PRNP):c.633G>C (p.Glu211Asp)

Gene: PRNP (prion protein (Kanno blood group); plus strand). Cytogenetic location: 20p13.
Variant type: single nucleotide variant.
Coding change: c.633G>C on transcript NM_000311.5 (MANE Select); coding-DNA position 633, G replaced by C.
Protein change: p.Glu211Asp; replaces glutamic acid 211 with aspartic acid.
Molecular consequence: missense variant. On other transcripts: 3 prime UTR variant (1).
Genome position (GRCh38, 1-based): chr20:4,699,853, G>C. VCF-style: chr20-4699853-G-C. GRCh37 (hg19) VCF-style: chr20-4680499-G-C.
Other names: c.633G>C, p.Glu211Asp (NM_001080121.3, NM_001080122.3, NM_001080123.3 and 1 more transcripts); c.*322G>C (NM_001271561.3); short protein forms E211D.
Identifiers: ClinVar variation 88922 (VCV000088922.7), dbSNP rs398122413, ClinGen allele CA266208.